The following is an entry in ClinVar:

NM_001429.4(EP300):c.6354G>A (p.Met2118Ile)

Gene: EP300 (EP300 lysine acetyltransferase; plus strand). Cytogenetic location: 22q13.2.
Variant type: single nucleotide variant.
Coding change: c.6354G>A on transcript NM_001429.4 (MANE Select); coding-DNA position 6354, G replaced by A.
Protein change: p.Met2118Ile; replaces methionine 2118 with isoleucine.
Molecular consequence: missense variant.
Genome position (GRCh38, 1-based): chr22:41,178,065, G>A. VCF-style: chr22-41178065-G-A. GRCh37 (hg19) VCF-style: chr22-41574069-G-A.
Other names: c.6276G>A, p.Met2092Ile (NM_001362843.2); short protein forms M2092I, M2118I.
Identifiers: ClinVar variation 4997955 (VCV004997955.1).

ClinVar aggregate classification (germline): Uncertain significance (1 of 4 stars; one submission).

Conditions:
EP300-related disorder. Also called: EP300-related condition; EP300-related disorders.

Submission:

PreventionGenetics, part of Exact Sciences
Classification: Uncertain significance for EP300-related condition. Last evaluated: 2025-08-13. Review status: criteria provided, single submitter. Criteria: ACMG Guidelines, 2015. Collection method: clinical testing. Allele origin: germline.
Comment: The EP300 c.6354G>A variant is predicted to result in the amino acid substitution p.Met2118Ile. To our knowledge, this variant has not been reported in the literature or in a large population database (gnomAD), indicating this variant is rare. At this time, the clinical significance of this variant is uncertain due to the absence of conclusive functional and genetic evidence.